The following is an entry in ClinVar:

ClinVar aggregate classification (germline): Pathogenic. Review status: reviewed by expert panel (3 of 4 stars). 2 submissions from 2 submitters: Pathogenic (1). 1 of the submissions does not count toward it. Last evaluated 2017-12-15.

Conditions:
Breast-ovarian cancer, familial, susceptibility to, 1 (BROVCA1). Also called: BRCA1 Hereditary Breast and Ovarian Cancer; OVARIAN CANCER, SUSCEPTIBILITY TO. Identifiers: Orphanet 145, MedGen C2676676, MONDO:0011450, OMIM 604370. Disease mechanism: loss of function.
Familial cancer of breast. Also called: hereditary breast carcinoma; BREAST CANCER, FAMILIAL; Hereditary breast cancer. Identifiers: Orphanet 227535, MedGen C0346153, MONDO:0016419, OMIM 114480. Disease mechanism: loss of function.

Submissions (2):

Evidence-based Network for the Interpretation of Germline Mutant Alleles (ENIGMA)
Classification: Pathogenic for Breast-ovarian cancer, familial, susceptibility to, 1. Last evaluated: 2017-12-15. Review status: reviewed by expert panel. Criteria: ENIGMA BRCA1/2 Classification Criteria (2017-06-29). Collection method: curation. Allele origin: germline. Study: ENIGMA.
Comment: Variant allele predicted to encode a truncated non-functional protein.

ClinVar Staff, National Center for Biotechnology Information (NCBI)
No classification provided. Condition: Familial cancer of breast. Review status: no classification provided. Collection method: literature only. Allele origin: germline. Affected: yes. Not counted in ClinVar's aggregate classification.

Literature cited by the submitters: PubMed 12585668 (cited by ClinVar Staff, National Center for Biotechnology Information (NCBI)).

NM_007294.4(BRCA1):c.3479_3488del (p.Lys1160fs)

Genes: BRCA1 (BRCA1 DNA repair associated; minus strand), LOC126862571 (BRD4-independent group 4 enhancer GRCh37_chr17:41243136-41244335; plus strand). Cytogenetic location: 17q21.31.
Variant type: Deletion.
Coding change: c.3479_3488del on transcript NM_007294.4 (MANE Select); coding-DNA positions 3479 to 3488, 10 bases deleted (AGGAAGATAC; older notation c.3479_3488delAGGAAGATAC).
Protein change: p.Lys1160fs; shifts the reading frame from lysine 1160.
Molecular consequence: frameshift variant. On other transcripts: intron variant (135).
Genome position (GRCh38, 1-based): chr17:43,092,043-43,092,052, GTATCTTCCT deleted on the plus strand (AGGAAGATAC on the coding strand, the reverse complement: BRCA1 is on the minus strand). VCF-style (leftmost placement, unchanged base first): chr17-43092042-AGTATCTTCCT-A. GRCh37 (hg19) VCF-style: chr17-41244059-AGTATCTTCCT-A.
Other names: c.3353_3362del, p.Lys1118fs (NM_001407649.1, NM_001407670.1, NM_001407671.1 and 11 more transcripts); c.3479_3488del, p.Lys1160fs (NM_001407652.1, NM_001407684.1, NM_001407854.1 and 30 more transcripts); c.3401_3410del, p.Lys1134fs (NM_001407653.1, NM_001407654.1, NM_001407655.1 and 4 more transcripts); c.3398_3407del, p.Lys1133fs (NM_001407659.1, NM_001407660.1, NM_001407661.1 and 1 more transcripts); c.3356_3365del, p.Lys1119fs (NM_001407664.1, NM_001407665.1, NM_001407666.1 and 19 more transcripts); c.3338_3347del, p.Lys1113fs (NM_001407692.1, NM_001407694.1, NM_001407695.1 and 29 more transcripts); c.3335_3344del, p.Lys1112fs (NM_001407740.1, NM_001407741.1, NM_001407742.1 and 20 more transcripts); c.3266_3275del, p.Lys1089fs (NM_001407853.1, NM_001407894.1, NM_001407895.1 and 9 more transcripts); and 41 more; short protein forms K1160fs, K1113fs, K1032fs, K1071fs, K1133fs, K292fs, K1048fs, K1072fs.
Identifiers: ClinVar variation 54897 (VCV000054897.3), dbSNP rs397509073, ClinGen allele CA002242.
Genomic context (GRCh38, chr17:43,092,042, plus strand): 5'-TTTCTGGACGCTTTTGCTAAAAACAGCAGAACTTTCCTTAATGTCATTTTCAGCAAAACT[AGTATCTTCCT>A]TTATTTCACCATCATCTAACAGGTCATCAGGTGTCTCAGAACAAACCTGAGATGCATGAC-3'